The following is an entry in ClinVar:

ClinVar aggregate classification (germline): Uncertain significance (1 of 4 stars; one submission).

Conditions:
Inborn genetic diseases. Identifiers: MedGen C0950123, MeSH D030342.

Submission:

Ambry Genetics
Classification: Uncertain significance for Inborn genetic diseases. Last evaluated: 2025-10-30. Review status: criteria provided, single submitter. Criteria: Ambry Variant Classification Scheme 2023. Collection method: clinical testing. Allele origin: germline.
Comment: The p.Q380R variant (also known as c.1139A>G), located in coding exon 10 of the CEP57 gene, results from an A to G substitution at nucleotide position 1139. The glutamine at codon 380 is replaced by arginine, an amino acid with highly similar properties. This amino acid position is conserved. In addition, this alteration is predicted to be tolerated by in silico analysis. Based on the available evidence, the clinical significance of this variant remains unclear.

NM_014679.5(CEP57):c.1139A>G (p.Gln380Arg)

Gene: CEP57 (centrosomal protein 57; plus strand). Cytogenetic location: 11q21.
Variant type: single nucleotide variant.
Coding change: c.1139A>G on transcript NM_014679.5 (MANE Select); coding-DNA position 1139, A replaced by G.
Protein change: p.Gln380Arg; replaces glutamine 380 with arginine.
Molecular consequence: missense variant.
Genome position (GRCh38, 1-based): chr11:95,829,198, A>G. VCF-style: chr11-95829198-A-G. GRCh37 (hg19) VCF-style: chr11-95562362-A-G.
Other names: c.1058A>G, p.Gln353Arg (NM_001440870.1, NM_001363604.2, NM_001440869.1); c.1031A>G, p.Gln344Arg (NM_001440871.1); c.1022A>G, p.Gln341Arg (NM_001440872.1); c.959A>G, p.Gln320Arg (NM_001440873.1); c.953A>G, p.Gln318Arg (NM_001440874.1); c.950A>G, p.Gln317Arg (NM_001440875.1); c.944A>G, p.Gln315Arg (NM_001440876.1); c.941A>G, p.Gln314Arg (NM_001440877.1, NM_001440878.1); and 6 more; short protein forms Q293R, Q344R, Q305R, Q314R, Q315R, Q317R, Q341R, Q353R.
Identifiers: ClinVar variation 4613579 (VCV004613579.1).